The following is an entry in ClinVar:

ClinVar aggregate classification (germline): Uncertain significance (1 of 4 stars; one submission).

gnomAD v4.1: 3 of 1,613,676 alleles (0.00019%); highest among the groups gnomAD compares: Non-Finnish European, 0.00025%; no homozygotes.

Submission:

Ambry Genetics
Classification: Uncertain significance. Last evaluated: 2025-04-17. Review status: criteria provided, single submitter. Criteria: Ambry Variant Classification Scheme 2023. Collection method: clinical testing. Allele origin: germline.
Comment: The p.P553S variant (also known as c.1657C>T), located in coding exon 17 of the KIF1B gene, results from a C to T substitution at nucleotide position 1657. The proline at codon 553 is replaced by serine, an amino acid with similar properties. This amino acid position is conserved. In addition, this alteration is predicted to be deleterious by in silico analysis. Based on the available evidence, the clinical significance of this variant remains unclear.

NM_001365951.3(KIF1B):c.1795C>T (p.Pro599Ser)

Gene: KIF1B (kinesin family member 1B; plus strand). Cytogenetic location: 1p36.22.
Variant type: single nucleotide variant.
Coding change: c.1795C>T on transcript NM_001365951.3 (MANE Select); coding-DNA position 1795, C replaced by T.
Protein change: p.Pro599Ser; replaces proline 599 with serine.
Molecular consequence: missense variant.
Genome position (GRCh38, 1-based): chr1:10,296,599, C>T. VCF-style: chr1-10296599-C-T. GRCh37 (hg19) VCF-style: chr1-10356657-C-T.
Other names: c.1795C>T, p.Pro599Ser (NM_001365952.1); c.1657C>T, p.Pro553Ser (NM_001365953.1, NM_015074.3, NM_183416.4); short protein forms P599S, P553S.
Identifiers: ClinVar variation 4043116 (VCV004043116.1).